The following is an entry in ClinVar:

NM_001042492.3(NF1):c.1526G>A (p.Cys509Tyr)

Gene: NF1 (neurofibromin 1; plus strand). Cytogenetic location: 17q11.2.
Variant type: single nucleotide variant.
Coding change: c.1526G>A on transcript NM_001042492.3 (MANE Select); coding-DNA position 1526, G replaced by A.
Protein change: p.Cys509Tyr; replaces cysteine 509 with tyrosine.
Molecular consequence: missense variant.
Genome position (GRCh38, 1-based): chr17:31,214,584, G>A. VCF-style: chr17-31214584-G-A. GRCh37 (hg19) VCF-style: chr17-29541602-G-A.
Other names: c.1526G>A, p.Cys509Tyr (NM_000267.4, NM_001128147.3); short protein forms C509Y.
Identifiers: ClinVar variation 819456 (VCV000819456.14), dbSNP rs1597698521, ClinGen allele CA399001706.

ClinVar aggregate classification (germline): Conflicting classifications of pathogenicity. Review status: criteria provided, conflicting classifications (1 of 4 stars). 4 submissions from 4 submitters: Uncertain significance (3); Likely benign (1). Last evaluated 2025-09-15.

Conditions:
Hereditary cancer-predisposing syndrome. Also called: Hereditary Cancer Syndrome; Neoplastic Syndromes, Hereditary; Hereditary neoplastic syndrome; Tumor predisposition. Identifiers: Orphanet 140162, MedGen C0027672, MeSH D009386, MONDO:0015356.
Cardiovascular phenotype. Identifiers: MedGen CN230736.
Neurofibromatosis, type 1 (NF1). Also called: Peripheral type neurofibromatosis; Neurofibromatosis, type I; NEUROFIBROMATOSIS, TYPE I, SOMATIC; VON RECKLINGHAUSEN DISEASE. Identifiers: Orphanet 636, MedGen C0027831, MONDO:0018975, OMIM 162200. Disease mechanism: loss of function.
Juvenile myelomonocytic leukemia (JMML). Also called: LEUKEMIA, JUVENILE MYELOMONOCYTIC, SOMATIC. Identifiers: Orphanet 86834, MedGen C0349639, MONDO:0011908, OMIM 607785, HP:0012209.

Submissions (4):

Ambry Genetics
Classification: Likely benign for Cardiovascular phenotype; Hereditary cancer-predisposing syndrome. Last evaluated: 2025-09-15. Review status: criteria provided, single submitter. Criteria: Ambry Variant Classification Scheme 2023. Collection method: clinical testing. Allele origin: germline.

Baylor Genetics
Classification: Uncertain significance for Juvenile myelomonocytic leukemia. Last evaluated: 2024-02-13. Review status: criteria provided, single submitter. Criteria: ACMG Guidelines, 2015. Collection method: clinical testing. Allele origin: unknown.

Labcorp Genetics (formerly Invitae), Labcorp
Classification: Uncertain significance for Neurofibromatosis, type 1. Last evaluated: 2022-10-12. Review status: criteria provided, single submitter. Criteria: Invitae Variant Classification Sherloc (09022015). Collection method: clinical testing. Allele origin: germline.
Comment: Algorithms developed to predict the effect of missense changes on protein structure and function (SIFT, PolyPhen-2, Align-GVGD) all suggest that this variant is likely to be tolerated. In summary, the available evidence is currently insufficient to determine the role of this variant in disease. Therefore, it has been classified as a Variant of Uncertain Significance. ClinVar contains an entry for this variant (Variation ID: 819456). This variant has not been reported in the literature in individuals affected with NF1-related conditions. This variant is not present in population databases (gnomAD no frequency). This sequence change replaces cysteine, which is neutral and slightly polar, with tyrosine, which is neutral and polar, at codon 509 of the NF1 protein (p.Cys509Tyr).

Genome-Nilou Lab
Classification: Uncertain significance for Neurofibromatosis, type 1. Last evaluated: 2022-03-15. Review status: criteria provided, single submitter. Criteria: ACMG Guidelines, 2015. Collection method: clinical testing. Allele origin: germline. Affected: no.